The following is an entry in ClinVar:

ClinVar aggregate classification (germline): Pathogenic (1 of 4 stars; one submission).

Conditions:
Hereditary cancer-predisposing syndrome. Also called: Neoplastic Syndromes, Hereditary; Tumor predisposition; Hereditary neoplastic syndrome; Hereditary Cancer Syndrome. Identifiers: Orphanet 140162, MedGen C0027672, MeSH D009386, MONDO:0015356.
Cardiovascular phenotype. Identifiers: MedGen CN230736.

Submission:

Ambry Genetics
Classification: Pathogenic for Cardiovascular phenotype; Hereditary cancer-predisposing syndrome. Last evaluated: 2023-11-14. Review status: criteria provided, single submitter. Criteria: Ambry Variant Classification Scheme 2023. Collection method: clinical testing. Allele origin: germline.
Comment: The c.2610_2613dupCAGT pathogenic mutation, located in coding exon 21 of the NF1 gene, results from a duplication of CAGT at nucleotide position 2610, causing a translational frameshift with a predicted alternate stop codon (p.E872Qfs*2). This alteration is expected to result in loss of function by premature protein truncation or nonsense-mediated mRNA decay. As such, this alteration is interpreted as a disease-causing mutation.

NM_001042492.3(NF1):c.2610_2613dup (p.Glu872delinsGlnTer)

Gene: NF1 (neurofibromin 1; plus strand). Cytogenetic location: 17q11.2.
Variant type: Microsatellite.
Coding change: c.2610_2613dup on transcript NM_001042492.3 (MANE Select); coding-DNA positions 2610 to 2613, 4 bases duplicated (CAGT; older notation c.2610_2613dupCAGT).
Protein change: p.Glu872delinsGlnTer.
Molecular consequence: nonsense. On other transcripts: frameshift variant (1).
Genome position (GRCh38, 1-based): chr17:31,229,225-31,229,228, CAGT duplicated; duplicating any 4 consecutive bases within chr17:31,229,221-31,229,228 gives the same sequence; the c. name uses the placement nearest the transcript's 3' end. VCF-style (leftmost placement, unchanged base first): chr17-31229220-C-CCAGT. GRCh37 (hg19) VCF-style: chr17-29556238-C-CCAGT.
Other names: c.2610_2613dupCAGT (NM_000267.3); c.2606_2609CAGT[3], p.Glu872Glnfs (NM_000267.4).
Identifiers: ClinVar variation 3237689 (VCV003237689.1), dbSNP rs2508185198.